The following is an entry in ClinVar:

ClinVar aggregate classification (germline): Likely pathogenic. Review status: criteria provided, multiple submitters, no conflicts (2 of 4 stars). 3 submissions from 3 submitters: Likely pathogenic (2). 1 of the submissions does not count toward it. Last evaluated 2024-05-28.

Conditions:
Cohen syndrome (COH1). Also called: Cutis verticis gyrata, retinitis pigmentosa, and sensorineural deafness; PEPPER SYNDROME. Identifiers: Orphanet 193, MedGen C0265223, MONDO:0008999, OMIM 216550.

Allele frequency attached by ClinVar (database versions not stated): gnomAD 0.00001; gnomAD exomes 0.00001; TOPMed 0.00001.
gnomAD v4.1: 14 of 1,612,404 alleles (0.00087%); highest among the groups gnomAD compares: Non-Finnish European, 0.0011%; no homozygotes.

Submissions (3):

Fulgent Genetics
Classification: Likely pathogenic for Cohen syndrome. Last evaluated: 2024-05-28. Review status: criteria provided, single submitter. Criteria: ACMG Guidelines, 2015. Collection method: clinical testing. Allele origin: germline.

Labcorp Genetics (formerly Invitae), Labcorp
Classification: Likely pathogenic for Cohen syndrome. Last evaluated: 2023-06-25. Review status: criteria provided, single submitter. Criteria: Invitae Variant Classification Sherloc (09022015). Collection method: clinical testing. Allele origin: germline.
Comment: This variant is present in population databases (no rsID available, gnomAD 0.0009%). This sequence change affects an acceptor splice site in intron 39 of the VPS13B gene. It is expected to disrupt RNA splicing. Variants that disrupt the donor or acceptor splice site typically lead to a loss of protein function (PMID: 16199547), and loss-of-function variants in VPS13B are known to be pathogenic (PMID: 15141358, 16648375, 20461111). Algorithms developed to predict the effect of sequence changes on RNA splicing suggest that this variant may disrupt the consensus splice site. In summary, the currently available evidence indicates that the variant is pathogenic, but additional data are needed to prove that conclusively. Therefore, this variant has been classified as Likely Pathogenic. ClinVar contains an entry for this variant (Variation ID: 551263). This variant has not been reported in the literature in individuals affected with VPS13B-related conditions.

Counsyl
Classification: Likely pathogenic for Cohen syndrome. Last evaluated: 2017-03-29. Review status: no assertion criteria provided. Collection method: clinical testing. Allele origin: unknown. Not counted in ClinVar's aggregate classification.

Literature cited by the submitters: PubMed 16199547 (cited by Labcorp Genetics (formerly Invitae), Labcorp); PubMed 15141358 (cited by Labcorp Genetics (formerly Invitae), Labcorp); PubMed 16648375 (cited by Labcorp Genetics (formerly Invitae), Labcorp); PubMed 20461111 (cited by Labcorp Genetics (formerly Invitae), Labcorp).

NM_152564.5(VPS13B):c.7051-1G>A

Gene: VPS13B (vacuolar protein sorting 13 homolog B; plus strand). Cytogenetic location: 8q22.2.
Variant type: single nucleotide variant.
Coding change: c.7051-1G>A on transcript NM_152564.5 (MANE Select); the canonical splice acceptor site of the intron before coding-DNA position 7051, G replaced by A.
Molecular consequence: splice acceptor variant.
Genome position (GRCh38, 1-based): chr8:99,766,773, G>A. VCF-style: chr8-99766773-G-A. GRCh37 (hg19) VCF-style: chr8-100779001-G-A.
Other names: c.7126-1G>A (NM_017890.5).
Identifiers: ClinVar variation 551263 (VCV000551263.12), dbSNP rs930144563, ClinGen allele CA183039724.